The following is an entry in ClinVar:

ClinVar aggregate classification (germline): Likely benign (1 of 4 stars; one submission).

Submission:

CeGaT Center for Human Genetics Tuebingen
Classification: Likely benign. Last evaluated: 2024-11-01. Review status: criteria provided, single submitter. Criteria: CeGaT Center For Human Genetics Tuebingen Variant Classification Criteria Version 2. Collection method: clinical testing. Allele origin: germline. Affected: yes. Observed: 1 variant allele.
Comment: NEUROG3: PM2:Supporting, BP4, BP7

NM_020999.4(NEUROG3):c.175A>C (p.Arg59=)

Gene: NEUROG3 (neurogenin 3; minus strand). Cytogenetic location: 10q22.1.
Variant type: single nucleotide variant.
Coding change: c.175A>C on transcript NM_020999.4 (MANE Select); coding-DNA position 175, A replaced by C.
Protein change: p.Arg59=; no amino-acid change (arginine 59 retained).
Molecular consequence: synonymous variant.
Genome position (GRCh38, 1-based): chr10:69,572,869, T>G on the plus strand (A>C on the coding strand, the complement: NEUROG3 is on the minus strand). VCF-style: chr10-69572869-T-G. GRCh37 (hg19) VCF-style: chr10-71332625-T-G.
Identifiers: ClinVar variation 3388638 (VCV003388638.14).